The following is an entry in ClinVar:

ClinVar aggregate classification (germline): Likely pathogenic (1 of 4 stars; one submission).

Conditions:
Pontocerebellar hypoplasia type 2E. Identifiers: Orphanet 247198, MedGen C4014488, MONDO:0014370, OMIM 615851.

Submission:

Myriad Genetics, Inc.
Classification: Likely pathogenic for Pontocerebellar hypoplasia type 2E. Last evaluated: 2026-04-09. Review status: criteria provided, single submitter. Criteria: Myriad Autosomal Dominant, Autosomal Recessive and X-Linked Classification Criteria (2023). Collection method: clinical testing. Allele origin: unknown.
Comment: NM_001128159.2(VPS53):c.373-1G>T is a variant in a canonical splice site classified as likely pathogenic in the context of pontocerebellar hypoplasia, VPS53-related. c.373-1G>T has not been observed in cases with relevant disease. Relevant functional assessments of this variant are not available in the literature. c.373-1G>T has not been observed in referenced population frequency databases. In summary, NM_001128159.2(VPS53):c.373-1G>T is a variant in a canonical splice site in a gene where loss of function is a known mechanism of disease and is predicted to disrupt protein function. Please note: this variant was assessed in the context of healthy population screening.

NM_001128159.3(VPS53):c.373-1G>T

Gene: VPS53 (VPS53 subunit of GARP complex; minus strand). Cytogenetic location: 17p13.3.
Variant type: single nucleotide variant.
Coding change: c.373-1G>T on transcript NM_001128159.3 (MANE Select); the canonical splice acceptor site of the intron before coding-DNA position 373, G replaced by T.
Molecular consequence: splice acceptor variant.
Genome position (GRCh38, 1-based): chr17:655,954, C>A on the plus strand (G>T on the coding strand, the complement: VPS53 is on the minus strand). VCF-style: chr17-655954-C-A. GRCh37 (hg19) VCF-style: chr17-559194-C-A.
Other names: c.286-1G>T (NM_018289.4); c.373-1G>T (NM_001366253.2); c.-320-1G>T (NM_001366254.2).
Identifiers: ClinVar variation 5003870 (VCV005003870.1).